The following is an entry in ClinVar:

ClinVar aggregate classification (germline): Likely benign. Review status: criteria provided, multiple submitters, no conflicts (2 of 4 stars). 3 submissions from 3 submitters: Likely benign (2). 1 of the submissions does not count toward it. Last evaluated 2025-05-27.

Conditions:
MCM4-related disorder. Also called: MCM4-related condition.

Allele frequency attached by ClinVar (database versions not stated): gnomAD 0.00002; gnomAD exomes 0.00004; TOPMed 0.00005; ExAC 0.00006.
gnomAD v4.1: 66 of 1,614,002 alleles (0.0041%); highest among the groups gnomAD compares: East Asian, 0.033%; no homozygotes.

Submissions (3):

Labcorp Genetics (formerly Invitae), Labcorp
Classification: Likely benign. Last evaluated: 2025-05-27. Review status: criteria provided, single submitter. Criteria: Invitae Variant Classification Sherloc (09022015). Collection method: clinical testing. Allele origin: germline.

Blueprint Genetics
Classification: Likely benign. Last evaluated: 2024-11-21. Review status: criteria provided, single submitter. Criteria: ACMG Guidelines, 2015. Collection method: clinical testing. Allele origin: germline.

PreventionGenetics, part of Exact Sciences
Classification: Likely benign for MCM4-related condition. Last evaluated: 2023-09-29. Review status: no assertion criteria provided. Collection method: clinical testing. Allele origin: germline. Not counted in ClinVar's aggregate classification.
Comment: This variant is classified as likely benign based on ACMG/AMP sequence variant interpretation guidelines (Richards et al. 2015 PMID: 25741868, with internal and published modifications).

NM_182746.3(MCM4):c.276C>T (p.Tyr92=)

Gene: MCM4 (minichromosome maintenance complex component 4; plus strand). Cytogenetic location: 8q11.21.
Variant type: single nucleotide variant.
Coding change: c.276C>T on transcript NM_182746.3 (MANE Select); coding-DNA position 276, C replaced by T.
Protein change: p.Tyr92=; no amino-acid change (tyrosine 92 retained).
Molecular consequence: synonymous variant.
Genome position (GRCh38, 1-based): chr8:47,962,093, C>T. VCF-style: chr8-47962093-C-T. GRCh37 (hg19) VCF-style: chr8-48874653-C-T.
Other names: c.276C>T (NM_005914.3); c.276C>T, p.Tyr92= (NM_005914.4).
Identifiers: ClinVar variation 2957272 (VCV002957272.6), dbSNP rs750765683, ClinGen allele CA4742249.